The following is an entry in ClinVar:

NM_003748.4(ALDH4A1):c.679-6G>A

Gene: ALDH4A1 (aldehyde dehydrogenase 4 family member A1; minus strand). Cytogenetic location: 1p36.13.
Variant type: single nucleotide variant.
Coding change: c.679-6G>A on transcript NM_003748.4 (MANE Select); 6 bases into the intron before coding-DNA position 679, G replaced by A.
Molecular consequence: intron variant.
Genome position (GRCh38, 1-based): chr1:18,881,893, C>T on the plus strand (G>A on the coding strand, the complement: ALDH4A1 is on the minus strand). VCF-style: chr1-18881893-C-T. GRCh37 (hg19) VCF-style: chr1-19208387-C-T.
Other names: c.679-6G>A (NM_001319218.2, NM_170726.3); c.499-6G>A (NM_001161504.2).
Identifiers: ClinVar variation 1007564 (VCV001007564.10), dbSNP rs369992538, ClinGen allele CA647229.

ClinVar aggregate classification (germline): Conflicting classifications of pathogenicity. Review status: criteria provided, conflicting classifications (1 of 4 stars). 2 submissions from 2 submitters: Pathogenic (1); Uncertain significance (1). Last evaluated 2026-07-27.

Conditions:
Epilepsy. Also called: Seizure disorder. Identifiers: MedGen C0014544, MeSH D004827, MONDO:0005027.
Hyperprolinemia type 2 (HYRPRO2). Also called: 1-PYRROLINE-5-CARBOXYLATE DEHYDROGENASE DEFICIENCY; Delta-1-pyrroline-5-carboxylate dehydrogenase deficiency; Deficiency of pyrroline-5-carboxylate reductase. Identifiers: Orphanet 79101, MedGen C2931835, MONDO:0009401, OMIM 239510.

Allele frequency attached by ClinVar (database versions not stated): gnomAD 0.00002 and 0.00001; gnomAD exomes 0.00002; ExAC 0.00003; TOPMed 0.00003; ESP Exome Variant Server 0.00008.
gnomAD v4.1: 103 of 1,612,380 alleles (0.0064%); highest among the groups gnomAD compares: East Asian, 0.0089%; no homozygotes.

Submissions (2):

Cytogénomique, Hospices Civils de Lyon
Classification: Pathogenic for Epilepsy. Last evaluated: 2026-07-27. Review status: criteria provided, single submitter. Criteria: ACMG Guidelines, 2015. Collection method: clinical testing. Allele origin: germline. Affected: yes.

Labcorp Genetics (formerly Invitae), Labcorp
Classification: Uncertain significance for Hyperprolinemia type 2. Last evaluated: 2022-06-11. Review status: criteria provided, single submitter. Criteria: Invitae Variant Classification Sherloc (09022015). Collection method: clinical testing. Allele origin: germline.
Comment: In summary, the available evidence is currently insufficient to determine the role of this variant in disease. Therefore, it has been classified as a Variant of Uncertain Significance. Algorithms developed to predict the effect of sequence changes on RNA splicing suggest that this variant may disrupt the consensus splice site. ClinVar contains an entry for this variant (Variation ID: 1007564). This variant has not been reported in the literature in individuals affected with ALDH4A1-related conditions. This variant is present in population databases (rs369992538, gnomAD 0.02%). This sequence change falls in intron 7 of the ALDH4A1 gene. It does not directly change the encoded amino acid sequence of the ALDH4A1 protein.